The following is an entry in ClinVar:

ClinVar aggregate classification (germline): Uncertain significance (1 of 4 stars; one submission).

Conditions:
LAMA2-related muscular dystrophy (LAMA2-RD). Also called: Laminin alpha 2-related dystrophy. Identifiers: MedGen C5679788, MONDO:0100228.

Submission:

Labcorp Genetics (formerly Invitae), Labcorp
Classification: Uncertain significance for LAMA2-related muscular dystrophy. Last evaluated: 2020-10-09. Review status: criteria provided, single submitter. Criteria: Invitae Variant Classification Sherloc (09022015). Collection method: clinical testing. Allele origin: germline.
Comment: This variant is an in-frame deletion of the genomic region encompassing exon(s) 13-16 of the LAMA2 gene. It preserves the integrity of the reading frame. This variant has not been reported in the literature in individuals with LAMA2-related conditions. Experimental studies and prediction algorithms are not available or were not evaluated, and the functional significance of this variant is currently unknown. In summary, the available evidence is currently insufficient to determine the role of this variant in disease. Therefore, it has been classified as a Variant of Uncertain Significance.

NC_000006.11:g.(?_129571237)_(129588384_?)del

Gene: LAMA2 (laminin subunit alpha 2; plus strand). Cytogenetic location: 6q22.33.
Variant type: Deletion.
Identifiers: ClinVar variation 1039805 (VCV001039805.5).